The following is an entry in ClinVar:

NM_020822.3(KCNT1):c.1449C>T (p.Pro483=)

Gene: KCNT1 (potassium sodium-activated channel subfamily T member 1; plus strand). Cytogenetic location: 9q34.3.
Variant type: single nucleotide variant.
Coding change: c.1449C>T on transcript NM_020822.3 (MANE Select); coding-DNA position 1449, C replaced by T.
Protein change: p.Pro483=; no amino-acid change (proline 483 retained).
Molecular consequence: synonymous variant.
Genome position (GRCh38, 1-based): chr9:135,768,876, C>T. VCF-style: chr9-135768876-C-T. GRCh37 (hg19) VCF-style: chr9-138660722-C-T.
Other names: c.1314C>T, p.Pro438= (NM_001272003.2).
Identifiers: ClinVar variation 514388 (VCV000514388.12), dbSNP rs765534465, ClinGen allele CA5326911.

ClinVar aggregate classification (germline): Likely benign. Review status: criteria provided, multiple submitters, no conflicts (2 of 4 stars). 5 submissions from 4 submitters: Likely benign (5). Last evaluated 2023-09-14.

Conditions:
Developmental and epileptic encephalopathy, 14 (DEE14). Also called: Early infantile epileptic encephalopathy 14. Identifiers: Orphanet 293181, MedGen C3554195, MONDO:0013989, OMIM 614959.
Autosomal dominant nocturnal frontal lobe epilepsy 5. Also called: Epilepsy, nocturnal frontal lobe, 5; KCNT1-Related Epilepsy; CILIARY DYSKINESIA, PRIMARY, 28, WITHOUT SITUS INVERSUS; CILIARY DYSKINESIA, PRIMARY, 28, WITH SITUS INVERSUS. Identifiers: Orphanet 98784, MedGen C3554306, MONDO:0014002, OMIM 615005.

Allele frequency attached by ClinVar (database versions not stated): gnomAD exomes 0.00002 and 0.00003; ExAC 0.00004.
gnomAD v4.1: 28 of 1,613,518 alleles (0.0017%); highest among the groups gnomAD compares: South Asian, 0.029%; no homozygotes.

Submissions (5):

Blueprint Genetics
Classification: Likely benign. Last evaluated: 2023-09-14. Review status: criteria provided, single submitter. Criteria: ACMG Guidelines, 2015. Collection method: clinical testing. Allele origin: germline.

Labcorp Genetics (formerly Invitae), Labcorp
Classification: Likely benign for Autosomal dominant nocturnal frontal lobe epilepsy 5; Developmental and epileptic encephalopathy, 14. Last evaluated: 2023-06-23. Review status: criteria provided, single submitter. Criteria: Invitae Variant Classification Sherloc (09022015). Collection method: clinical testing. Allele origin: germline.

Genome-Nilou Lab
Classification: Likely benign for Developmental and epileptic encephalopathy, 14. Last evaluated: 2022-03-15. Review status: criteria provided, single submitter. Criteria: ACMG Guidelines, 2015. Collection method: clinical testing. Allele origin: germline. Affected: no.

Genome-Nilou Lab
Classification: Likely benign for Autosomal dominant nocturnal frontal lobe epilepsy 5. Last evaluated: 2022-03-15. Review status: criteria provided, single submitter. Criteria: ACMG Guidelines, 2015. Collection method: clinical testing. Allele origin: germline. Affected: no.

GeneDx
Classification: Likely benign. Last evaluated: 2018-01-11. Review status: criteria provided, single submitter. Criteria: GeneDx Variant Classification (06012015). Collection method: clinical testing. Allele origin: germline. Affected: yes.
Comment: This variant is considered likely benign or benign based on one or more of the following criteria: it is a conservative change, it occurs at a poorly conserved position in the protein, it is predicted to be benign by multiple in silico algorithms, and/or has population frequency not consistent with disease.